The following is an entry in ClinVar:

NM_001114753.3(ENG):c.488_491del (p.Asn163fs)

Gene: ENG (endoglin; minus strand). Cytogenetic location: 9q34.11.
Variant type: Deletion.
Coding change: c.488_491del on transcript NM_001114753.3 (MANE Select); coding-DNA positions 488 to 491, 4 bases deleted (ATGA; older notation c.488_491delATGA).
Protein change: p.Asn163fs; shifts the reading frame from asparagine 163.
Molecular consequence: frameshift variant. On other transcripts: 5 prime UTR variant (1).
Genome position (GRCh38, 1-based): chr9:127,826,542-127,826,545, TCAT deleted on the plus strand (ATGA on the coding strand, the reverse complement: ENG is on the minus strand); deleting any 4 consecutive bases within chr9:127,826,542-127,826,548 gives the same sequence; the c. name uses the placement nearest the transcript's 3' end. VCF-style (leftmost placement, unchanged base first): chr9-127826541-GTCAT-G. GRCh37 (hg19) VCF-style: chr9-130588820-GTCAT-G.
Other names: c.488_491delATGA (NM_000118.3); c.485_488delTGAA, p.Asn163Thrfs (NM_000118.4, NM_001406715.1); c.-59_-56del (NM_001278138.2); short protein forms N163fs.
Identifiers: ClinVar variation 645811 (VCV000645811.10), dbSNP rs1588583530, ClinGen allele CA915947185.

ClinVar aggregate classification (germline): Pathogenic/Likely pathogenic. Review status: criteria provided, multiple submitters, no conflicts (2 of 4 stars). 2 submissions from 2 submitters: Pathogenic (1); Likely pathogenic (1). Last evaluated 2023-01-04.

Conditions:
Hereditary hemorrhagic telangiectasia (HHT). Also called: ORW DISEASE; Osler Weber Rendu syndrome; OSLER-RENDU-WEBER DISEASE; Osler hemorrhagic telangiectasia syndrome. Identifiers: Orphanet 774, MedGen C0039445, MONDO:0019180. Disease mechanism: loss of function.
ENG-related disorder. Also called: ENG-related condition; ENG-related disorders.

Submissions (2):

Blueprint Genetics
Classification: Likely pathogenic for ENG-related disorders. Last evaluated: 2023-01-04. Review status: criteria provided, single submitter. Criteria: ACMG Guidelines, 2015. Collection method: clinical testing. Allele origin: germline. Affected: yes. Observed: 1 variant allele.

Labcorp Genetics (formerly Invitae), Labcorp
Classification: Pathogenic for Hereditary hemorrhagic telangiectasia. Last evaluated: 2018-11-16. Review status: criteria provided, single submitter. Criteria: Invitae Variant Classification Sherloc (09022015). Collection method: clinical testing. Allele origin: germline.
Comment: For these reasons, this variant has been classified as Pathogenic. Loss-of-function variants in ENG are known to be pathogenic (PMID: 15879500, 20656886, 22385575). This variant has not been reported in the literature in individuals with ENG-related disease. This variant is not present in population databases (ExAC no frequency). This sequence change creates a premature translational stop signal (p.Asn163Thrfs*58) in the ENG gene. It is expected to result in an absent or disrupted protein product.

Literature cited by the submitters: PubMed 15879500 (cited by Labcorp Genetics (formerly Invitae), Labcorp); PubMed 20656886 (cited by Labcorp Genetics (formerly Invitae), Labcorp); PubMed 22385575 (cited by Labcorp Genetics (formerly Invitae), Labcorp).